The following is an entry in ClinVar:

NM_002693.3(POLG):c.446C>T (p.Pro149Leu)

Genes: POLG (DNA polymerase gamma, catalytic subunit; minus strand), POLGARF (POLG alternative reading frame; minus strand). Cytogenetic location: 15q26.1.
Variant type: single nucleotide variant.
Coding change: c.446C>T on transcript NM_002693.3 (MANE Select); coding-DNA position 446, C replaced by T.
Protein change: p.Pro149Leu; replaces proline 149 with leucine.
Molecular consequence: missense variant. On other transcripts: synonymous variant (1).
Genome position (GRCh38, 1-based): chr15:89,333,309, G>A on the plus strand (C>T on the coding strand, the complement: POLG is on the minus strand). VCF-style: chr15-89333309-G-A. GRCh37 (hg19) VCF-style: chr15-89876540-G-A.
Other names: c.501C>T, p.Ala167= (NM_001430120.1); c.446C>T, p.Pro149Leu (NM_001126131.2); short protein forms P149L.
Identifiers: ClinVar variation 3600706 (VCV003600706.3).

ClinVar aggregate classification (germline): Uncertain significance. Review status: criteria provided, multiple submitters, no conflicts (2 of 4 stars). 2 submissions from 2 submitters: Uncertain significance (2). Last evaluated 2025-03-14.

Submissions (2):

GeneDx
Classification: Uncertain significance. Last evaluated: 2025-03-14. Review status: criteria provided, single submitter. Criteria: GeneDx Variant Classification Process June 2021. Collection method: clinical testing. Allele origin: germline. Affected: yes.
Comment: Not observed at significant frequency in large population cohorts (gnomAD); In silico analysis supports that this missense variant has a deleterious effect on protein structure/function; Has not been previously published as pathogenic or benign to our knowledge

Blueprint Genetics
Classification: Uncertain significance. Last evaluated: 2021-12-29. Review status: criteria provided, single submitter. Criteria: ACMG Guidelines, 2015. Collection method: clinical testing. Allele origin: germline.